The following is an entry in ClinVar:

NM_000040.3(APOC3):c.172C>A (p.Gln58Lys)

Gene: APOC3 (apolipoprotein C3; plus strand). Cytogenetic location: 11q23.3.
Variant type: single nucleotide variant.
Coding change: c.172C>A on transcript NM_000040.3 (MANE Select); coding-DNA position 172, C replaced by A.
Protein change: p.Gln58Lys; replaces glutamine 58 with lysine.
Molecular consequence: missense variant.
Genome position (GRCh38, 1-based): chr11:116,830,889, C>A. VCF-style: chr11-116830889-C-A. GRCh37 (hg19) VCF-style: chr11-116701605-C-A.
Other names: short protein forms Q58K.
Identifiers: ClinVar variation 1778941 (VCV001778941.2), dbSNP rs1591326474, ClinGen allele CA382710152.

ClinVar aggregate classification (germline): Uncertain significance (1 of 4 stars; one submission).

Conditions:
Cardiovascular phenotype. Identifiers: MedGen CN230736.

Submission:

Ambry Genetics
Classification: Uncertain significance for Cardiovascular phenotype. Last evaluated: 2018-11-13. Review status: criteria provided, single submitter. Criteria: Ambry Variant Classification Scheme 2023. Collection method: clinical testing. Allele origin: germline.
Comment: The p.Q58K variant (also known as c.172C>A), located in coding exon 2 of the APOC3 gene, results from a C to A substitution at nucleotide position 172. The glutamine at codon 58 is replaced by lysine, an amino acid with similar properties. This alteration has been reported to be associated with mildly elevated trigylceride levels in one family, but there was extensive overlap in the range of the triglyceride levels in heterozygous and genotypically wild-type individuals (Pullinger CR et al. J. Lipid Res., 1997 Sep;38:1833-40). Functional studies suggest that this variant may result in gain of function; however, the physiological relevance of this result is unclear (Sundaram M et al. J. Lipid Res., 2017 Nov;58:2188-2196). This amino acid position is not well conserved in available vertebrate species, and lysine is the reference amino acid in other vertebrate species. In addition, the in silico prediction for this alteration is inconclusive. Since supporting evidence is limited at this time, the clinical significance of this alteration remains unclear.

Literature cited by the submitters: PubMed 25910212; PubMed 28887372; PubMed 9323592.